The following is an entry in ClinVar:

ClinVar aggregate classification (germline): Uncertain significance (1 of 4 stars; one submission).

Submission:

Ambry Genetics
Classification: Uncertain significance. Last evaluated: 2021-10-06. Review status: criteria provided, single submitter. Criteria: Ambry Variant Classification Scheme 2023. Collection method: clinical testing. Allele origin: germline.
Comment: The p.D129G variant (also known as c.386A>G), located in coding exon 5 of the FAM175A gene, results from an A to G substitution at nucleotide position 386. The aspartic acid at codon 129 is replaced by glycine, an amino acid with similar properties. This amino acid position is conserved. In addition, this alteration is predicted to be tolerated by in silico analysis. Since supporting evidence is limited at this time, the clinical significance of this alteration remains unclear.

NM_139076.3(ABRAXAS1):c.386A>G (p.Asp129Gly)

Gene: ABRAXAS1 (abraxas 1, BRCA1 A complex subunit; minus strand). Cytogenetic location: 4q21.23.
Variant type: single nucleotide variant.
Coding change: c.386A>G on transcript NM_139076.3 (MANE Select); coding-DNA position 386, A replaced by G.
Protein change: p.Asp129Gly; replaces aspartic acid 129 with glycine.
Molecular consequence: missense variant.
Genome position (GRCh38, 1-based): chr4:83,470,293, T>C on the plus strand (A>G on the coding strand, the complement: ABRAXAS1 is on the minus strand). VCF-style: chr4-83470293-T-C. GRCh37 (hg19) VCF-style: chr4-84391446-T-C.
Other names: c.59A>G, p.Asp20Gly (NM_001345962.2); short protein forms D129G, D20G.
Identifiers: ClinVar variation 1799803 (VCV001799803.2), dbSNP rs2529438109, ClinGen allele CA357259853.
Genomic context (GRCh38, chr4:83,470,293, plus strand): 5'-AGTCGATGAGTAGAGCAGCTTTCTGTTATTATACTTGGTGTTAATAGCAGAAAAACAAGG[T>C]CTTGGTTTGAAAAATGCTCCTGCAAGTTTTTGTGAAGCAGCCTCTCTCTAAACGTCATGA-3'
Protein context (NP_620775.2, residues 119-139): KNLQEHFSNQ[Asp129Gly]LVFLLLTPSI